The following is an entry in ClinVar:

ClinVar aggregate classification (germline): Uncertain significance (1 of 4 stars; one submission).

Submission:

GeneDx
Classification: Uncertain significance. Last evaluated: 2022-12-07. Review status: criteria provided, single submitter. Criteria: GeneDx Variant Classification Process June 2021. Collection method: clinical testing. Allele origin: germline. Affected: yes.
Comment: Not observed at significant frequency in large population cohorts (gnomAD); In silico analysis supports that this missense variant has a deleterious effect on protein structure/function; Has not been previously published as pathogenic or benign to our knowledge

NM_015335.5(MED13L):c.3920G>C (p.Trp1307Ser)

Gene: MED13L (mediator complex subunit 13L; minus strand). Cytogenetic location: 12q24.21.
Variant type: single nucleotide variant.
Coding change: c.3920G>C on transcript NM_015335.5 (MANE Select); coding-DNA position 3920, G replaced by C.
Protein change: p.Trp1307Ser; replaces tryptophan 1307 with serine.
Molecular consequence: missense variant.
Genome position (GRCh38, 1-based): chr12:115,991,034, C>G on the plus strand (G>C on the coding strand, the complement: MED13L is on the minus strand). VCF-style: chr12-115991034-C-G. GRCh37 (hg19) VCF-style: chr12-116428839-C-G.
Other names: short protein forms W1307S.
Identifiers: ClinVar variation 2504832 (VCV002504832.1), dbSNP rs2499854489, ClinGen allele CA386886044.